The following is an entry in ClinVar:

NM_001127453.2(GSDME):c.991-70G>C

Gene: GSDME (gasdermin E; minus strand). Cytogenetic location: 7p15.3.
Variant type: single nucleotide variant.
Coding change: c.991-70G>C on transcript NM_001127453.2 (MANE Select); 70 bases into the intron before coding-DNA position 991, G replaced by C.
Molecular consequence: intron variant.
Genome position (GRCh38, 1-based): chr7:24,706,446, C>G on the plus strand (G>C on the coding strand, the complement: GSDME is on the minus strand). VCF-style: chr7-24706446-C-G. GRCh37 (hg19) VCF-style: chr7-24746065-C-G.
Other names: c.499-70G>C (NM_001127454.2); c.991-70G>C (NM_004403.3).
Identifiers: ClinVar variation 683013 (VCV000683013.1), dbSNP rs55980618, ClinGen allele CA12629413.
Genomic context (GRCh38, chr7:24,706,446, plus strand): 5'-AGGGAAGAAGAAGGGTCATGACACAGCTGGAGACCAAGCGCCACAGCTGGGGCCTCCGCT[C>G]ACAGTACACACAAGCCCCAGCCCTTCCCACTCCCCCGAGGAAAGTACGACCCGCAGCTCT-3'

ClinVar aggregate classification (germline): Benign (1 of 4 stars; one submission).

Allele frequency attached by ClinVar (database versions not stated): 1000 Genomes Project 30x 0.02124; 1000 Genomes Project 0.02177; TOPMed 0.03584; gnomAD 0.03848 and 0.03922.
gnomAD v4.1: 76,687 of 1,466,364 alleles (5.2%); highest among the groups gnomAD compares: Non-Finnish European, 6%; 2,275 homozygotes.

Submission:

GeneDx
Classification: Benign. Last evaluated: 2018-06-16. Review status: criteria provided, single submitter. Criteria: GeneDx Variant Classification (06012015). Collection method: clinical testing. Allele origin: germline. Affected: yes.
Comment: This variant is considered likely benign or benign based on one or more of the following criteria: it is a conservative change, it occurs at a poorly conserved position in the protein, it is predicted to be benign by multiple in silico algorithms, and/or has population frequency not consistent with disease.